The following is an entry in ClinVar:

NM_001184.4(ATR):c.1171-20A>G

Gene: ATR (ATR checkpoint kinase; minus strand). Cytogenetic location: 3q23.
Variant type: single nucleotide variant.
Coding change: c.1171-20A>G on transcript NM_001184.4 (MANE Select); 20 bases into the intron before coding-DNA position 1171, A replaced by G.
Molecular consequence: intron variant.
Genome position (GRCh38, 1-based): chr3:142,561,441, T>C on the plus strand (A>G on the coding strand, the complement: ATR is on the minus strand). VCF-style: chr3-142561441-T-C. GRCh37 (hg19) VCF-style: chr3-142280283-T-C.
Other names: c.1171-20A>G (NM_001354579.2).
Identifiers: ClinVar variation 2911413 (VCV002911413.3), dbSNP rs1306943610, ClinGen allele CA546894090.

ClinVar aggregate classification (germline): Uncertain significance (1 of 4 stars; one submission).

Allele frequency attached by ClinVar (database versions not stated): gnomAD exomes below 0.00001.
gnomAD v4.1: 4 of 1,594,712 alleles (0.00025%); highest among the groups gnomAD compares: Non-Finnish European, 0.00034%; no homozygotes.

Submission:

Labcorp Genetics (formerly Invitae), Labcorp
Classification: Uncertain significance. Last evaluated: 2024-03-07. Review status: criteria provided, single submitter. Criteria: Invitae Variant Classification Sherloc (09022015). Collection method: clinical testing. Allele origin: germline.
Comment: This sequence change falls in intron 4 of the ATR gene. It does not directly change the encoded amino acid sequence of the ATR protein. This variant is present in population databases (no rsID available, gnomAD 0.002%). This variant has not been reported in the literature in individuals affected with ATR-related conditions. Algorithms developed to predict the effect of sequence changes on RNA splicing suggest that this variant may disrupt the consensus splice site. In summary, the available evidence is currently insufficient to determine the role of this variant in disease. Therefore, it has been classified as a Variant of Uncertain Significance.